The following is an entry in ClinVar:

NM_003579.4(RAD54L):c.661A>C (p.Ser221Arg)

Gene: RAD54L (RAD54 like; plus strand). Cytogenetic location: 1p34.1.
Variant type: single nucleotide variant.
Coding change: c.661A>C on transcript NM_003579.4 (MANE Select); coding-DNA position 661, A replaced by C.
Protein change: p.Ser221Arg; replaces serine 221 with arginine.
Molecular consequence: missense variant.
Genome position (GRCh38, 1-based): chr1:46,260,910, A>C. VCF-style: chr1-46260910-A-C. GRCh37 (hg19) VCF-style: chr1-46726582-A-C.
Other names: c.661A>C, p.Ser221Arg (NM_001142548.2); c.121A>C, p.Ser41Arg (NM_001370766.1); short protein forms S221R, S41R.
Identifiers: ClinVar variation 3429814 (VCV003429814.1).

ClinVar aggregate classification (germline): Uncertain significance (1 of 4 stars; one submission).

Submission:

Ambry Genetics
Classification: Uncertain significance. Last evaluated: 2024-09-08. Review status: criteria provided, single submitter. Criteria: Ambry Variant Classification Scheme 2023. Collection method: clinical testing. Allele origin: germline.
Comment: The p.S221R variant (also known as c.661A>C), located in coding exon 7 of the RAD54L gene, results from an A to C substitution at nucleotide position 661. The serine at codon 221 is replaced by arginine, an amino acid with dissimilar properties. This amino acid position is conserved. In addition, this alteration is predicted to be deleterious by in silico analysis. Based on the available evidence, the clinical significance of this variant remains unclear.